The following is an entry in ClinVar:

ClinVar aggregate classification (germline): Likely benign. Review status: criteria provided, single submitter (1 of 4 stars). 2 submissions from 2 submitters: Likely benign (1). 1 of the submissions does not count toward it. Last evaluated 2024-02-04.

Conditions:
PMPCB-related disorder. Also called: PMPCB-related condition.

Allele frequency attached by ClinVar (database versions not stated): gnomAD exomes 0.00009; ExAC 0.00011; 1000 Genomes Project 30x 0.00016; 1000 Genomes Project 0.00020; gnomAD 0.00035 and 0.00038; TOPMed 0.00035; ESP Exome Variant Server 0.00038.
gnomAD v4.1: 112 of 1,609,220 alleles (0.007%); highest among the groups gnomAD compares: African/African-American, 0.14%; no homozygotes.

Submissions (2):

Labcorp Genetics (formerly Invitae), Labcorp
Classification: Likely benign. Last evaluated: 2024-02-04. Review status: criteria provided, single submitter. Criteria: Invitae Variant Classification Sherloc (09022015). Collection method: clinical testing. Allele origin: germline.

PreventionGenetics, part of Exact Sciences
Classification: Likely benign for PMPCB-related condition. Last evaluated: 2019-02-20. Review status: no assertion criteria provided. Collection method: clinical testing. Allele origin: germline. Not counted in ClinVar's aggregate classification.
Comment: This variant is classified as likely benign based on ACMG/AMP sequence variant interpretation guidelines (Richards et al. 2015 PMID: 25741868, with internal and published modifications).

NM_004279.3(PMPCB):c.426T>C (p.Tyr142=)

Gene: PMPCB (peptidase, mitochondrial processing subunit beta; plus strand). Cytogenetic location: 7q22.1.
Variant type: single nucleotide variant.
Coding change: c.426T>C on transcript NM_004279.3 (MANE Select); coding-DNA position 426, T replaced by C.
Protein change: p.Tyr142=; no amino-acid change (tyrosine 142 retained).
Molecular consequence: synonymous variant.
Genome position (GRCh38, 1-based): chr7:103,300,276, T>C. VCF-style: chr7-103300276-T-C. GRCh37 (hg19) VCF-style: chr7-102940723-T-C.
Other names: c.426T>C (NM_004279.2).
Identifiers: ClinVar variation 1658699 (VCV001658699.10), dbSNP rs145949634, ClinGen allele CA4417938.